The following is an entry in ClinVar:

ClinVar aggregate classification (germline): Uncertain significance (1 of 4 stars; one submission).

Conditions:
Atypical hemolytic-uremic syndrome with I factor anomaly. Also called: HEMOLYTIC UREMIC SYNDROME, ATYPICAL, SUSCEPTIBILITY TO, 3; AHUS, SUSCEPTIBILITY TO, 3. Identifiers: Orphanet 2134, MedGen C2752039, MONDO:0013041, OMIM 612923.

gnomAD v4.1: 8 of 1,614,048 alleles (0.0005%); highest among the groups gnomAD compares: Non-Finnish European, 0.00068%; no homozygotes.

Submission:

MVZ Medizinische Genetik Mainz
Classification: Uncertain significance for Atypical hemolytic-uremic syndrome with I factor anomaly. Last evaluated: 2025-04-16. Review status: criteria provided, single submitter. Criteria: UK Practice Guidelines For Variant Classification V4 01 2020. Collection method: clinical testing. Allele origin: germline. Inheritance: Autosomal dominant inheritance. Affected: yes. Observed: 1 variant allele.
Comment: ACMG Criteria: PM5,PM2_SUP

NM_000204.5(CFI):c.1084G>A (p.Gly362Arg)

Gene: CFI (complement factor I; minus strand). Cytogenetic location: 4q25.
Variant type: single nucleotide variant.
Coding change: c.1084G>A on transcript NM_000204.5 (MANE Select); coding-DNA position 1084, G replaced by A.
Protein change: p.Gly362Arg; replaces glycine 362 with arginine.
Molecular consequence: missense variant. On other transcripts: non-coding transcript variant (3).
Genome position (GRCh38, 1-based): chr4:109,749,282, C>T on the plus strand (G>A on the coding strand, the complement: CFI is on the minus strand). VCF-style: chr4-109749282-C-T. GRCh37 (hg19) VCF-style: chr4-110670438-C-T.
Other names: c.1108G>A, p.Gly370Arg (NM_001318057.2, NM_001375278.1); c.1063G>A, p.Gly355Arg (NM_001331035.2, NM_001375280.1, NM_001375282.1); c.1084G>A, p.Gly362Arg (NM_001375279.1, NM_001375281.1); c.1027G>A, p.Gly343Arg (NM_001375283.1); c.475G>A, p.Gly159Arg (NM_001375284.1); short protein forms G159R, G343R, G355R, G362R, G370R.
Identifiers: ClinVar variation 3900727 (VCV003900727.1).
Genomic context (GRCh38, chr4:109,749,282, plus strand): 5'-GACAATGTGCAGCAGTCAGAATCCAACAGCCACCAATATAAATTCCCCCACAGGTGATTC[C>T]ACTGGCATCCTTAATTGCCACCTGCCATGGGAGGTCTCCCTGTAAAAGACATTTGTGTGG-3'
Protein context (NP_000195.3, residues 352-372): PWQVAIKDAS[Gly362Arg]ITCGGIYIGG